The following is an entry in ClinVar:

ClinVar aggregate classification (germline): Pathogenic. Review status: criteria provided, multiple submitters, no conflicts (2 of 4 stars). 3 submissions from 3 submitters: Pathogenic (3). Last evaluated 2025-12-22.

Conditions:
Hereditary spastic paraplegia 4. Also called: Familial spastic paraplegia autosomal dominant 2; Spastic paraplegia 4, autosomal dominant; Spastic Paraplegia 4. Identifiers: Orphanet 100985, MedGen C1866855, MONDO:0008438, OMIM 182601.

Allele frequency attached by ClinVar (database versions not stated): TOPMed below 0.00001.

Submissions (3):

Labcorp Genetics (formerly Invitae), Labcorp
Classification: Pathogenic for Hereditary spastic paraplegia 4. Last evaluated: 2025-12-22. Review status: criteria provided, single submitter. Criteria: Invitae Variant Classification Sherloc (09022015). Collection method: clinical testing. Allele origin: germline.
Comment: This sequence change affects an acceptor splice site in intron 12 of the SPAST gene. RNA analysis indicates that disruption of this splice site induces altered splicing and may result in an absent or altered protein product. This variant is not present in population databases (gnomAD no frequency). Disruption of this splice site has been observed in individual(s) with hereditary spastic paraplegia (PMID: 11309678). It has also been observed to segregate with disease in related individuals. Invitae Evidence Modeling of clinical and family history, age, sex, and reported ancestry of multiple individuals with this SPAST variant has been performed. This variant is expected to be pathogenic with a positive predictive value of at least 99%. This is a validated machine learning model that incorporates the clinical features of 4,195 individuals referred to our laboratory for SPAST testing. This variant is also known as IVS12-2A>C. ClinVar contains an entry for this variant (Variation ID: 468568). Studies have shown that disruption of this splice site results in skipping of exon 13, and produces a non-functional protein and/or introduces a premature termination codon (PMID: 11309678). For these reasons, this variant has been classified as Pathogenic.

Athena Diagnostics
Classification: Pathogenic. Last evaluated: 2016-05-05. Review status: criteria provided, single submitter. Criteria: Athena Diagnostics Criteria. Collection method: clinical testing. Allele origin: germline.

Clinical Genetics Service, Universitary Hospital 12 de Octubre
Classification: Pathogenic for Hereditary spastic paraplegia 4. Review status: criteria provided, single submitter. Criteria: ACMG Guidelines, 2015. Collection method: clinical testing. Allele origin: germline. Affected: yes.

Literature cited by the submitters: PubMed 11309678 (cited by Labcorp Genetics (formerly Invitae), Labcorp and Athena Diagnostics).

NM_014946.4(SPAST):c.1494-2A>C

Gene: SPAST (spastin; plus strand). Cytogenetic location: 2p22.3.
Variant type: single nucleotide variant.
Coding change: c.1494-2A>C on transcript NM_014946.4 (MANE Select); the canonical splice acceptor site of the intron before coding-DNA position 1494, A replaced by C.
Molecular consequence: splice acceptor variant.
Genome position (GRCh38, 1-based): chr2:32,141,902, A>C. VCF-style: chr2-32141902-A-C. GRCh37 (hg19) VCF-style: chr2-32366971-A-C.
Other names: c.1398-2A>C (NM_199436.2, NM_001377959.1); c.1491-2A>C (NM_001363823.2); c.1395-2A>C (NM_001363875.2).
Identifiers: ClinVar variation 468568 (VCV000468568.10), dbSNP rs1218081251, ClinGen allele CA346502809.
Genomic context (GRCh38, chr2:32,141,902, plus strand): 5'-TTTGCTGTTTCAGCTTTAAATTCAAAATTATATTTCTAAAAGTGCTGGATTTTTTTTTTT[A>C]GGCGTTTCATCAAACGGGTATATGTGTCTTTACCAAATGAGGAGGTATGTATCTGTGTTT-3'